The following is an entry in ClinVar:

ClinVar aggregate classification (germline): Uncertain significance. Review status: criteria provided, multiple submitters, no conflicts (2 of 4 stars). 3 submissions from 3 submitters: Uncertain significance (3). Last evaluated 2025-10-29.

Conditions:
Progressive familial heart block type IB (PFHB1B). Identifiers: Orphanet 871, MedGen C1970298, MONDO:0011474, OMIM 604559.
Cardiovascular phenotype. Identifiers: MedGen CN230736.

Allele frequency attached by ClinVar (database versions not stated): gnomAD 0.00010 and 0.00011; TOPMed 0.00012; ESP Exome Variant Server 0.00023.
gnomAD v4.1: 35 of 1,587,782 alleles (0.0022%); highest among the groups gnomAD compares: African/African-American, 0.028%; no homozygotes.

Submissions (3):

Labcorp Genetics (formerly Invitae), Labcorp
Classification: Uncertain significance for Progressive familial heart block type IB. Last evaluated: 2025-10-29. Review status: criteria provided, single submitter. Criteria: Invitae Variant Classification Sherloc (09022015). Collection method: clinical testing. Allele origin: germline.
Comment: This sequence change replaces valine, which is neutral and non-polar, with methionine, which is neutral and non-polar, at codon 264 of the TRPM4 protein (p.Val264Met). The frequency data for this variant in the population databases is considered unreliable, as metrics indicate poor data quality at this position in the gnomAD database. This variant has not been reported in the literature in individuals affected with TRPM4-related conditions. ClinVar contains an entry for this variant (Variation ID: 1500885). An algorithm developed to predict the effect of missense changes on protein structure and function (PolyPhen-2) suggests that this variant is likely to be tolerated. In summary, the available evidence is currently insufficient to determine the role of this variant in disease. Therefore, it has been classified as a Variant of Uncertain Significance.

Ambry Genetics
Classification: Uncertain significance for Cardiovascular phenotype. Last evaluated: 2023-09-26. Review status: criteria provided, single submitter. Criteria: Ambry Variant Classification Scheme 2023. Collection method: clinical testing. Allele origin: germline.
Comment: The p.V264M variant (also known as c.790G>A), located in coding exon 6 of the TRPM4 gene, results from a G to A substitution at nucleotide position 790. The valine at codon 264 is replaced by methionine, an amino acid with highly similar properties. This amino acid position is not well conserved in available vertebrate species. In addition, this alteration is predicted to be tolerated by in silico analysis. Since supporting evidence is limited at this time, the clinical significance of this alteration remains unclear.

GeneDx
Classification: Uncertain significance. Last evaluated: 2022-10-05. Review status: criteria provided, single submitter. Criteria: GeneDx Variant Classification Process June 2021. Collection method: clinical testing. Allele origin: germline. Affected: yes.
Comment: In silico analysis supports that this missense variant does not alter protein structure/function; Has not been previously published as pathogenic or benign to our knowledge

NM_017636.4(TRPM4):c.790G>A (p.Val264Met)

Gene: TRPM4 (transient receptor potential cation channel subfamily M member 4; plus strand). Cytogenetic location: 19q13.33.
Variant type: single nucleotide variant.
Coding change: c.790G>A on transcript NM_017636.4 (MANE Select); coding-DNA position 790, G replaced by A.
Protein change: p.Val264Met; replaces valine 264 with methionine.
Molecular consequence: missense variant. On other transcripts: 5 prime UTR variant (2).
Genome position (GRCh38, 1-based): chr19:49,168,730, G>A. VCF-style: chr19-49168730-G-A. GRCh37 (hg19) VCF-style: chr19-49671987-G-A.
Other names: c.790G>A, p.Val264Met (NM_001195227.2); c.445G>A, p.Val149Met (NM_001321281.2); c.-764G>A (NM_001321282.2); c.268G>A, p.Val90Met (NM_001321283.2); c.-60G>A (NM_001321285.2); short protein forms V149M, V264M, V90M.
Identifiers: ClinVar variation 1500885 (VCV001500885.11), dbSNP rs144767624, ClinGen allele CA9568943.